The following is an entry in ClinVar:

NM_001191061.2(SLC25A22):c.587+5G>A

Gene: SLC25A22 (solute carrier family 25 member 22; minus strand). Cytogenetic location: 11p15.5.
Variant type: single nucleotide variant.
Coding change: c.587+5G>A on transcript NM_001191061.2 (MANE Select); 5 bases into the intron after coding-DNA position 587, G replaced by A.
Molecular consequence: intron variant.
Genome position (GRCh38, 1-based): chr11:792,548, C>T on the plus strand (G>A on the coding strand, the complement: SLC25A22 is on the minus strand). VCF-style: chr11-792548-C-T. GRCh37 (hg19) VCF-style: chr11-792548-C-T.
Other names: c.587+5G>A (NM_001191060.2, NM_024698.6).
Identifiers: ClinVar variation 574181 (VCV000574181.7), dbSNP rs779326525, ClinGen allele CA5789145.

ClinVar aggregate classification (germline): Uncertain significance (1 of 4 stars; one submission).

Conditions:
Early-infantile DEE. Also called: Early infantile epileptic encephalopathy with suppression bursts; Early infantile epileptic encephalopathy; Ohtahara syndrome. Identifiers: Orphanet 1934, MedGen C0393706, MONDO:0800491.

Allele frequency attached by ClinVar (database versions not stated): ExAC 0.00001; gnomAD 0.00001.
gnomAD v4.1: 1 of 1,612,252 alleles (0.000062%); highest among the groups gnomAD compares: Middle Eastern, 0.016%; no homozygotes.

Submission:

Labcorp Genetics (formerly Invitae), Labcorp
Classification: Uncertain significance for Early-infantile DEE. Last evaluated: 2018-04-19. Review status: criteria provided, single submitter. Criteria: Invitae Variant Classification Sherloc (09022015). Collection method: clinical testing. Allele origin: germline.
Comment: In summary, the available evidence is currently insufficient to determine the role of this variant in disease. Therefore, it has been classified as a Variant of Uncertain Significance. Nucleotide substitutions within the consensus splice site are a relatively common cause of aberrant splicing (PMID: 17576681, 9536098). Algorithms developed to predict the effect of sequence changes on RNA splicing suggest that this variant may disrupt the consensus splice site, but this prediction has not been confirmed by published transcriptional studies. This variant has not been reported in the literature in individuals with SLC25A22-related disease. This variant is present in population databases (rs779326525, ExAC no frequency). This sequence change falls in intron 7 of the SLC25A22 gene. It does not directly change the encoded amino acid sequence of the SLC25A22 protein, but it affects a nucleotide within the consensus splice site of the intron.

Literature cited by the submitters: PubMed 17576681; PubMed 9536098.